The following is an entry in ClinVar:

NM_212482.4(FN1):c.5954C>A (p.Pro1985His)

Genes: FN1 (fibronectin 1; minus strand), LOC126806496 (CDK7 strongly-dependent group 2 enhancer GRCh37_chr2:216240057-216241256; plus strand). Cytogenetic location: 2q35.
Variant type: single nucleotide variant.
Coding change: c.5954C>A on transcript NM_212482.4 (MANE Select); coding-DNA position 5954, C replaced by A.
Protein change: p.Pro1985His; replaces proline 1985 with histidine.
Molecular consequence: missense variant.
Genome position (GRCh38, 1-based): chr2:215,375,652, G>T on the plus strand (C>A on the coding strand, the complement: FN1 is on the minus strand). VCF-style: chr2-215375652-G-T. GRCh37 (hg19) VCF-style: chr2-216240375-G-T.
Other names: c.5954C>A, p.Pro1985His (NM_001306129.2); c.5684C>A, p.Pro1895His (NM_001306130.2, NM_001365517.2, NM_001365519.2 and 2 more transcripts); c.5411C>A, p.Pro1804His (NM_001306131.2, NM_001306132.2, NM_001365523.2 and 2 more transcripts); c.5681C>A, p.Pro1894His (NM_001365518.2, NM_001365520.2, NM_001365524.2 and 2 more transcripts); short protein forms P1985H, P1895H, P1804H, P1894H.
Identifiers: ClinVar variation 721814 (VCV000721814.10), dbSNP rs148388245, ClinGen allele CA2093989.

ClinVar aggregate classification (germline): Conflicting classifications of pathogenicity. Review status: criteria provided, conflicting classifications (1 of 4 stars). 3 submissions from 3 submitters: Uncertain significance (1); Likely benign (2). Last evaluated 2025-12-30.

Conditions:
Chronic kidney disease. Identifiers: MedGen C1561643, MONDO:0005300, HP:0012622.

Allele frequency attached by ClinVar (database versions not stated): gnomAD exomes 0.00005 and 0.00020; ExAC 0.00022; ESP Exome Variant Server 0.00054; gnomAD 0.00057; TOPMed 0.00067; 1000 Genomes Project 0.00180; 1000 Genomes Project 30x 0.00187.
gnomAD v4.1: 169 of 1,612,720 alleles (0.01%); highest among the groups gnomAD compares: African/African-American, 0.18%; no homozygotes.

Submissions (3):

Labcorp Genetics (formerly Invitae), Labcorp
Classification: Likely benign. Last evaluated: 2025-12-30. Review status: criteria provided, single submitter. Criteria: Invitae Variant Classification Sherloc (09022015). Collection method: clinical testing. Allele origin: germline.

Blueprint Genetics
Classification: Likely benign. Last evaluated: 2024-11-04. Review status: criteria provided, single submitter. Criteria: ACMG Guidelines, 2015. Collection method: clinical testing. Allele origin: germline.

Cavalleri Lab, Royal College of Surgeons in Ireland
Classification: Uncertain significance for Chronic kidney disease. Last evaluated: 2020-05-28. Review status: criteria provided, single submitter. Criteria: ACMG Guidelines, 2015. Collection method: research. Allele origin: unknown. Inheritance: Autosomal dominant inheritance. Affected: yes.
Comment: PP2, PP3, BS1